The following is an entry in ClinVar:

ClinVar aggregate classification (germline): Likely benign (1 of 4 stars; one submission).

Conditions:
STK36-related disorder. Also called: STK36-related condition.

gnomAD v4.1: 80 of 1,605,590 alleles (0.005%); highest among the groups gnomAD compares: Non-Finnish European, 0.0065%; no homozygotes.

Submission:

PreventionGenetics, part of Exact Sciences
Classification: Likely benign for STK36-related condition. Last evaluated: 2026-05-14. Review status: criteria provided, single submitter. Criteria: ACMG Guidelines, 2015. Collection method: clinical testing. Allele origin: germline.
Comment: This variant is classified as likely benign based on ACMG/AMP sequence variant interpretation guidelines (Richards et al. 2015 PMID: 25741868, with internal and published modifications).

NM_015690.5(STK36):c.1236+10A>G

Gene: STK36 (serine/threonine kinase 36; plus strand). Cytogenetic location: 2q35.
Variant type: single nucleotide variant.
Coding change: c.1236+10A>G on transcript NM_015690.5 (MANE Select); 10 bases into the intron after coding-DNA position 1236, A replaced by G.
Molecular consequence: intron variant.
Genome position (GRCh38, 1-based): chr2:218,680,712, A>G. VCF-style: chr2-218680712-A-G. GRCh37 (hg19) VCF-style: chr2-219545435-A-G.
Other names: c.1236+10A>G (NM_001243313.2, NM_001369423.1).
Identifiers: ClinVar variation 4978598 (VCV004978598.1).